The following is an entry in ClinVar:

NM_001999.4(FBN2):c.7241G>T (p.Gly2414Val)

Gene: FBN2 (fibrillin 2; minus strand). Cytogenetic location: 5q23.3.
Variant type: single nucleotide variant.
Coding change: c.7241G>T on transcript NM_001999.4 (MANE Select); coding-DNA position 7241, G replaced by T.
Protein change: p.Gly2414Val; replaces glycine 2414 with valine.
Molecular consequence: missense variant.
Genome position (GRCh38, 1-based): chr5:128,278,739, C>A on the plus strand (G>T on the coding strand, the complement: FBN2 is on the minus strand). VCF-style: chr5-128278739-C-A. GRCh37 (hg19) VCF-style: chr5-127614431-C-A.
Other names: short protein forms G2414V.
Identifiers: ClinVar variation 1314169 (VCV001314169.7), dbSNP rs2126809569, ClinGen allele CA360756421.

ClinVar aggregate classification (germline): Uncertain significance. Review status: criteria provided, multiple submitters, no conflicts (2 of 4 stars). 2 submissions from 2 submitters: Uncertain significance (2). Last evaluated 2021-12-13.

Conditions:
Congenital contractural arachnodactyly (CCA). Also called: Arthrogryposis, distal, type 9; BEALS SYNDROME; Beals-Hecht syndrome. Identifiers: Orphanet 115, MedGen C0220668, MONDO:0007363, OMIM 121050.

Submissions (2):

Labcorp Genetics (formerly Invitae), Labcorp
Classification: Uncertain significance for Congenital contractural arachnodactyly. Last evaluated: 2021-12-13. Review status: criteria provided, single submitter. Criteria: Invitae Variant Classification Sherloc (09022015). Collection method: clinical testing. Allele origin: germline.
Comment: In summary, the available evidence is currently insufficient to determine the role of this variant in disease. Therefore, it has been classified as a Variant of Uncertain Significance. Advanced modeling of protein sequence and biophysical properties (such as structural, functional, and spatial information, amino acid conservation, physicochemical variation, residue mobility, and thermodynamic stability) performed at Invitae indicates that this missense variant is not expected to disrupt FBN2 protein function. ClinVar contains an entry for this variant (Variation ID: 1314169). This variant has not been reported in the literature in individuals affected with FBN2-related conditions. This variant is not present in population databases (gnomAD no frequency). This sequence change replaces glycine, which is neutral and non-polar, with valine, which is neutral and non-polar, at codon 2414 of the FBN2 protein (p.Gly2414Val).

GeneDx
Classification: Uncertain significance. Last evaluated: 2021-03-01. Review status: criteria provided, single submitter. Criteria: GeneDx Variant Classification Process June 2021. Collection method: clinical testing. Allele origin: germline. Affected: yes.
Comment: Has not been previously published as pathogenic or benign to our knowledge; Not observed in large population cohorts (Lek et al., 2016); In silico analysis supports that this missense variant has a deleterious effect on protein structure/function; Does not affect a cysteine residue within a calcium-binding EGF-like domain of the FBN2 gene; cysteine substitutions in the calcium-binding EGF-like domains represent the majority of pathogenic missense changes associated with FBN2-related disorders (Frederic et al., 2009).